The following is an entry in ClinVar:

NM_000548.5(TSC2):c.4134C>G (p.Pro1378=)

Gene: TSC2 (TSC complex subunit 2; plus strand). Cytogenetic location: 16p13.3.
Variant type: single nucleotide variant.
Coding change: c.4134C>G on transcript NM_000548.5 (MANE Select); coding-DNA position 4134, C replaced by G.
Protein change: p.Pro1378=; no amino-acid change (proline 1378 retained).
Molecular consequence: synonymous variant.
Genome position (GRCh38, 1-based): chr16:2,084,356, C>G. VCF-style: chr16-2084356-C-G. GRCh37 (hg19) VCF-style: chr16-2134357-C-G.
Other names: c.3933C>G, p.Pro1311= (NM_001077183.3); c.4065C>G, p.Pro1355= (NM_001114382.3); c.3825C>G, p.Pro1275= (NM_001318827.2); c.3789C>G, p.Pro1263= (NM_001318829.2); c.3402C>G, p.Pro1134= (NM_001318831.2); c.3966C>G, p.Pro1322= (NM_001318832.2); c.3936C>G, p.Pro1312= (NM_001363528.2); c.4002C>G, p.Pro1334= (NM_001370404.1); and 1 more.
Identifiers: ClinVar variation 760973 (VCV000760973.17), dbSNP rs1060504081, ClinGen allele CA493043074.

ClinVar aggregate classification (germline): Benign/Likely benign. Review status: criteria provided, multiple submitters, no conflicts (2 of 4 stars). 4 submissions from 4 submitters: Benign (1); Likely benign (3). Last evaluated 2025-12-10.

Conditions:
Hereditary cancer-predisposing syndrome. Also called: Tumor predisposition; Hereditary Cancer Syndrome; Neoplastic Syndromes, Hereditary; Hereditary neoplastic syndrome. Identifiers: Orphanet 140162, MedGen C0027672, MeSH D009386, MONDO:0015356.
Tuberous sclerosis syndrome (TSC). Also called: Tuberous Sclerosis Complex; Tuberous sclerosis. Identifiers: Orphanet 805, MedGen C0041341, MONDO:0001734.
Tuberous sclerosis 2 (TSC2). Identifiers: Orphanet 805, MedGen C1860707, MONDO:0013199, OMIM 613254.

Submissions (4):

Labcorp Genetics (formerly Invitae), Labcorp
Classification: Likely benign for Tuberous sclerosis 2. Last evaluated: 2025-12-10. Review status: criteria provided, single submitter. Criteria: Invitae Variant Classification Sherloc (09022015). Collection method: clinical testing. Allele origin: germline.

All of Us Research Program, National Institutes of Health
Classification: Likely benign for Tuberous sclerosis syndrome. Last evaluated: 2023-09-17. Review status: criteria provided, single submitter. Criteria: ACMG Guidelines, 2015. Collection method: clinical testing. Allele origin: germline. Inheritance: Autosomal dominant inheritance. Observed: 1 variant allele, 1 heterozygote.
Comment: This study involves interpretation of variants in research participants for the purpose of population health screening. Participant phenotype was not available at the time of variant classification. Additional details can be found in publication PMID: 35346344, PMCID: PMC8962531

Genome-Nilou Lab
Classification: Benign for Tuberous sclerosis 2. Last evaluated: 2021-11-07. Review status: criteria provided, single submitter. Criteria: ACMG Guidelines, 2015. Collection method: clinical testing. Allele origin: germline. Affected: no.

Ambry Genetics
Classification: Likely benign for Hereditary cancer-predisposing syndrome. Last evaluated: 2018-09-20. Review status: criteria provided, single submitter. Criteria: Ambry Variant Classification Scheme 2023. Collection method: clinical testing. Allele origin: germline.